The following is an entry in ClinVar:

ClinVar aggregate classification (germline): Uncertain significance. Review status: criteria provided, multiple submitters, no conflicts (2 of 4 stars). 2 submissions from 2 submitters: Uncertain significance (2). Last evaluated 2023-10-29.

Conditions:
Hereditary cancer-predisposing syndrome. Also called: Hereditary Cancer Syndrome; Hereditary neoplastic syndrome; Neoplastic Syndromes, Hereditary; Tumor predisposition. Identifiers: Orphanet 140162, MedGen C0027672, MeSH D009386, MONDO:0015356.
Gastrointestinal stromal tumor. Also called: Gastrointestinal stroma tumor; Gastrointestinal stromal tumor, somatic. Identifiers: Orphanet 44890, MedGen C0238198, MeSH D046152, MONDO:0011719, OMIM 606764, HP:0100723.

Submissions (2):

Labcorp Genetics (formerly Invitae), Labcorp
Classification: Uncertain significance for Gastrointestinal stromal tumor. Last evaluated: 2023-10-29. Review status: criteria provided, single submitter. Criteria: Invitae Variant Classification Sherloc (09022015). Collection method: clinical testing. Allele origin: germline.
Comment: This sequence change replaces proline, which is neutral and non-polar, with serine, which is neutral and polar, at codon 319 of the PDGFRA protein (p.Pro319Ser). This variant is not present in population databases (gnomAD no frequency). This variant has not been reported in the literature in individuals affected with PDGFRA-related conditions. ClinVar contains an entry for this variant (Variation ID: 2131620). Advanced modeling of protein sequence and biophysical properties (such as structural, functional, and spatial information, amino acid conservation, physicochemical variation, residue mobility, and thermodynamic stability) performed at Invitae indicates that this missense variant is not expected to disrupt PDGFRA protein function with a negative predictive value of 80%. In summary, the available evidence is currently insufficient to determine the role of this variant in disease. Therefore, it has been classified as a Variant of Uncertain Significance.

Ambry Genetics
Classification: Uncertain significance for Hereditary cancer-predisposing syndrome. Last evaluated: 2023-07-01. Review status: criteria provided, single submitter. Criteria: Ambry Variant Classification Scheme 2023. Collection method: clinical testing. Allele origin: germline.
Comment: The p.P319S variant (also known as c.955C>T), located in coding exon 6 of the PDGFRA gene, results from a C to T substitution at nucleotide position 955. The proline at codon 319 is replaced by serine, an amino acid with similar properties. This amino acid position is conserved. In addition, the in silico prediction for this alteration is inconclusive. Since supporting evidence is limited at this time, the clinical significance of this alteration remains unclear.

NM_006206.6(PDGFRA):c.955C>T (p.Pro319Ser)

Gene: PDGFRA (platelet derived growth factor receptor alpha; plus strand). Cytogenetic location: 4q12.
Variant type: single nucleotide variant.
Coding change: c.955C>T on transcript NM_006206.6 (MANE Select); coding-DNA position 955, C replaced by T.
Protein change: p.Pro319Ser; replaces proline 319 with serine.
Molecular consequence: missense variant.
Genome position (GRCh38, 1-based): chr4:54,267,575, C>T. VCF-style: chr4-54267575-C-T. GRCh37 (hg19) VCF-style: chr4-55133742-C-T.
Other names: c.955C>T, p.Pro319Ser (NM_001347827.2, NM_001347829.2); c.1030C>T, p.Pro344Ser (NM_001347828.2); c.994C>T, p.Pro332Ser (NM_001347830.2); short protein forms P344S, P319S, P332S.
Identifiers: ClinVar variation 2131620 (VCV002131620.6), dbSNP rs2475455157, ClinGen allele CA356891487.